The following is an entry in ClinVar:

ClinVar aggregate classification (germline): Benign. Review status: criteria provided, multiple submitters, no conflicts (2 of 4 stars). 2 submissions from 2 submitters: Benign (2). Last evaluated 2018-06-14.

Allele frequency attached by ClinVar (database versions not stated): 1000 Genomes Project 0.42692; 1000 Genomes Project 30x 0.43520; gnomAD 0.45683; TOPMed 0.45706.

Submissions (2):

GeneDx
Classification: Benign. Last evaluated: 2018-06-14. Review status: criteria provided, single submitter. Criteria: GeneDx Variant Classification (06012015). Collection method: clinical testing. Allele origin: germline. Affected: yes.
Comment: This variant is considered likely benign or benign based on one or more of the following criteria: it is a conservative change, it occurs at a poorly conserved position in the protein, it is predicted to be benign by multiple in silico algorithms, and/or has population frequency not consistent with disease.

Breakthrough Genomics
Classification: Benign. Review status: criteria provided, single submitter. Criteria: ACMG Guidelines, 2015. Collection method: not provided. Allele origin: germline. Inheritance: Autosomal dominant inheritance. Affected: yes.

NM_005751.5(AKAP9):c.11546+138A>G

Gene: AKAP9 (A-kinase anchoring protein 9; plus strand). Cytogenetic location: 7q21.2.
Variant type: single nucleotide variant.
Coding change: c.11546+138A>G on transcript NM_005751.5 (MANE Select); 138 bases into the intron after coding-DNA position 11546, A replaced by G.
Molecular consequence: intron variant.
Genome position (GRCh38, 1-based): chr7:92,107,560, A>G. VCF-style: chr7-92107560-A-G. GRCh37 (hg19) VCF-style: chr7-91736874-A-G.
Other names: c.11522+138A>G (NM_147185.3); c.6191+138A>G (NM_001379277.1).
Identifiers: ClinVar variation 671888 (VCV000671888.2), dbSNP rs7802788, ClinGen allele CA12568563.